The following is an entry in ClinVar:

NM_176787.5(PIGN):c.757G>T (p.Gly253Trp)

Gene: PIGN (phosphatidylinositol glycan anchor biosynthesis class N; minus strand). Cytogenetic location: 18q21.33.
Variant type: single nucleotide variant.
Coding change: c.757G>T on transcript NM_176787.5 (MANE Select); coding-DNA position 757, G replaced by T.
Protein change: p.Gly253Trp; replaces glycine 253 with tryptophan.
Molecular consequence: missense variant.
Genome position (GRCh38, 1-based): chr18:62,147,019, C>A on the plus strand (G>T on the coding strand, the complement: PIGN is on the minus strand). VCF-style: chr18-62147019-C-A. GRCh37 (hg19) VCF-style: chr18-59814252-C-A.
Other names: c.757G>T, p.Gly253Trp (NM_012327.6); short protein forms G253W.
Identifiers: ClinVar variation 1055780 (VCV001055780.4), dbSNP rs2036357142, ClinGen allele CA402601607.

ClinVar aggregate classification (germline): Uncertain significance (1 of 4 stars; one submission).

Conditions:
Multiple congenital anomalies-hypotonia-seizures syndrome 1 (MCAHS1). Also called: PIGN-CDG; Congenital disorder of glycosylation due to PIGN deficiency; GLYCOSYLPHOSPHATIDYLINOSITOL BIOSYNTHESIS DEFECT 3. Identifiers: Orphanet 280633, MedGen C3279775, MONDO:0013563, OMIM 614080.

Submission:

Labcorp Genetics (formerly Invitae), Labcorp
Classification: Uncertain significance for Multiple congenital anomalies-hypotonia-seizures syndrome 1. Last evaluated: 2021-09-28. Review status: criteria provided, single submitter. Criteria: Invitae Variant Classification Sherloc (09022015). Collection method: clinical testing. Allele origin: germline.
Comment: This sequence change replaces glycine with tryptophan at codon 253 of the PIGN protein (p.Gly253Trp). The glycine residue is moderately conserved and there is a large physicochemical difference between glycine and tryptophan. This variant is not present in population databases (ExAC no frequency). This variant has not been reported in the literature in individuals affected with PIGN-related conditions. Algorithms developed to predict the effect of missense changes on protein structure and function are either unavailable or do not agree on the potential impact of this missense change (SIFT: "Deleterious"; PolyPhen-2: "Possibly Damaging"; Align-GVGD: "Class C0"). In summary, the available evidence is currently insufficient to determine the role of this variant in disease. Therefore, it has been classified as a Variant of Uncertain Significance.